The following is an entry in ClinVar:

ClinVar aggregate classification (germline): Likely pathogenic (1 of 4 stars; one submission).

Conditions:
Arrhythmogenic cardiomyopathy with wooly hair and keratoderma. Also called: Carvajal syndrome; PALMOPLANTAR KERATODERMA WITH LEFT VENTRICULAR CARDIOMYOPATHY AND WOOLLY HAIR; Dilated cardiomyopathy with woolly hair and keratoderma; Arrhythmogenic cardiomyopathy with woolly hair and keratoderma. Identifiers: Orphanet 65282, MedGen C1854063, MONDO:0011581, OMIM 605676.

Submission:

All of Us Research Program, National Institutes of Health
Classification: Likely pathogenic for Arrhythmogenic cardiomyopathy with wooly hair and keratoderma. Last evaluated: 2024-07-23. Review status: criteria provided, single submitter. Criteria: ACMG Guidelines, 2015. Collection method: clinical testing. Allele origin: germline. Inheritance: Autosomal dominant inheritance. Observed: 1 variant allele, 1 heterozygote.
Comment: This variant is predicted to result in loss of protein function through nonsense-mediated or protein truncation. Loss of function is an established mechanism of disease. To date, this variant has not been reported in association with human disease in the medical literature. This variant is absent from or rare in large population databases, including the Genome Aggregation Database.

This study involves interpretation of variants in research participants for the purpose of population health screening. Participant phenotype was not available at the time of variant classification. Additional details can be found in publication PMID: 35346344, PMCID: PMC8962531

NM_004415.4(DSP):c.4234del (p.Arg1411_Leu1412insTer)

Gene: DSP (desmoplakin; plus strand). Cytogenetic location: 6p24.3.
Variant type: Deletion.
Coding change: c.4234del on transcript NM_004415.4 (MANE Select); coding-DNA position 4234, one base deleted (C; older notation c.4234delC).
Protein change: p.Arg1411_Leu1412insTer.
Molecular consequence: nonsense. On other transcripts: intron variant (2).
Genome position (GRCh38, 1-based): chr6:7,580,424, C deleted. VCF-style (leftmost placement, unchanged base first): chr6-7580423-GC-G. GRCh37 (hg19) VCF-style: chr6-7580656-GC-G.
Other names: c.4050+184del (NM_001319034.2); c.3582+652del (NM_001008844.3).
Identifiers: ClinVar variation 3386676 (VCV003386676.1).